The following is an entry in ClinVar:

NM_003919.3(SGCE):c.110-1G>T

Genes: CASD1 (CAS1 domain sialic acid O acetyltransferase 1; plus strand), SGCE (sarcoglycan epsilon; minus strand). Cytogenetic location: 7q21.3.
Variant type: single nucleotide variant.
Coding change: c.110-1G>T on transcript NM_003919.3 (MANE Select); the canonical splice acceptor site of the intron before coding-DNA position 110, G replaced by T.
Molecular consequence: splice acceptor variant. On other transcripts: intron variant (2).
Genome position (GRCh38, 1-based): chr7:94,629,842, C>A on the plus strand (G>T on the coding strand, the complement: SGCE is on the minus strand). VCF-style: chr7-94629842-C-A. GRCh37 (hg19) VCF-style: chr7-94259154-C-A.
Other names: c.110-1483G>T (NM_001362809.2, NM_001301139.2); c.110-1G>T (NM_001346717.2, NM_001099400.2, NM_001099401.2); c.218-1G>T (NM_001346715.2, NM_001346713.2); c.23-1G>T (NM_001362807.2, NM_001346719.2); c.-164-1G>T (NM_001362808.2, NM_001346720.2).
Identifiers: ClinVar variation 2828645 (VCV002828645.3), dbSNP rs2485183122, ClinGen allele CA368239816.

ClinVar aggregate classification (germline): Likely pathogenic (1 of 4 stars; one submission).

Conditions:
Myoclonic dystonia 11 (DYT11). Also called: Myoclonic dystonia; Dystonia 11; Dystonia, alcohol responsive; Hereditary essential myoclonus; SGCE Myoclonus-Dystonia; Myoclonus-Dystonia. Identifiers: Orphanet 36899, MedGen C1834570, MONDO:0008044, OMIM 159900.

Submission:

Labcorp Genetics (formerly Invitae), Labcorp
Classification: Likely pathogenic for Myoclonic dystonia 11. Last evaluated: 2023-01-15. Review status: criteria provided, single submitter. Criteria: Invitae Variant Classification Sherloc (09022015). Collection method: clinical testing. Allele origin: germline.
Comment: This sequence change affects an acceptor splice site in intron 1 of the SGCE gene. It is expected to disrupt RNA splicing. Variants that disrupt the donor or acceptor splice site typically lead to a loss of protein function (PMID: 16199547), and loss-of-function variants in SGCE are known to be pathogenic (PMID: 12821748, 15389977, 17853490, 24297365). In summary, the currently available evidence indicates that the variant is pathogenic, but additional data are needed to prove that conclusively. Therefore, this variant has been classified as Likely Pathogenic. Algorithms developed to predict the effect of sequence changes on RNA splicing suggest that this variant may disrupt the consensus splice site. Disruption of this splice site has been observed in individual(s) with dystonia (Invitae). This variant is not present in population databases (gnomAD no frequency).

Literature cited by the submitters: PubMed 16199547; PubMed 12821748; PubMed 15389977; PubMed 17853490; PubMed 24297365.